The following is an entry in ClinVar:

ClinVar aggregate classification (germline): Likely benign. Review status: criteria provided, multiple submitters, no conflicts (2 of 4 stars). 2 submissions from 2 submitters: Likely benign (2). Last evaluated 2025-10-06.

Allele frequency attached by ClinVar (database versions not stated): gnomAD 0.00003; ExAC 0.00005; gnomAD exomes 0.00006; TOPMed 0.00008.
gnomAD v4.1: 88 of 1,576,336 alleles (0.0056%); highest among the groups gnomAD compares: Admixed American, 0.01%; no homozygotes.

Submissions (2):

Women's Health and Genetics/Laboratory Corporation of America, LabCorp
Classification: Likely benign. Last evaluated: 2025-10-06. Review status: criteria provided, single submitter. Criteria: LabCorp Variant Classification Summary - May 2015. Collection method: clinical testing. Allele origin: germline.
Comment: Variant summary: POU1F1 c.439+19C>T alters a nucleotide located at a position not widely known to affect splicing. Consensus agreement among computation tools predict no significant impact on normal splicing. However, these predictions have yet to be confirmed by functional studies. The variant allele was found at a frequency of 6.4e-05 in 249622 control chromosomes. This frequency is not significantly higher than estimated for disease-causing variants in POU1F1, allowing no conclusion about variant significance. To our knowledge, no occurrence of c.439+19C>T in individuals affected with POU1F1-related conditions and no experimental evidence demonstrating its impact on protein function have been reported. ClinVar contains an entry for this variant (Variation ID: 2968174). Based on the evidence outlined above, the variant was classified as likely benign.

Labcorp Genetics (formerly Invitae), Labcorp
Classification: Likely benign. Last evaluated: 2024-03-01. Review status: criteria provided, single submitter. Criteria: Invitae Variant Classification Sherloc (09022015). Collection method: clinical testing. Allele origin: germline.

NM_000306.4(POU1F1):c.439+19C>T

Gene: POU1F1 (POU class 1 homeobox 1; minus strand). Cytogenetic location: 3p11.2.
Variant type: single nucleotide variant.
Coding change: c.439+19C>T on transcript NM_000306.4 (MANE Select); 19 bases into the intron after coding-DNA position 439, C replaced by T.
Molecular consequence: intron variant.
Genome position (GRCh38, 1-based): chr3:87,264,269, G>A on the plus strand (C>T on the coding strand, the complement: POU1F1 is on the minus strand). VCF-style: chr3-87264269-G-A. GRCh37 (hg19) VCF-style: chr3-87313419-G-A.
Other names: c.517+19C>T (NM_001122757.3).
Identifiers: ClinVar variation 2968174 (VCV002968174.5), dbSNP rs760890038, ClinGen allele CA2501203.